The following is an entry in ClinVar:

ClinVar aggregate classification (germline): Likely benign (1 of 4 stars; one submission).

Submission:

GeneDx
Classification: Likely benign. Last evaluated: 2018-09-24. Review status: criteria provided, single submitter. Criteria: GeneDx Variant Classification Process June 2021. Collection method: clinical testing. Allele origin: germline. Affected: yes.
Comment: See Variant Classification Assertion Criteria.

NM_021096.4(CACNA1I):c.3456C>G (p.Leu1152=)

Gene: CACNA1I (calcium voltage-gated channel subunit alpha1 I; plus strand). Cytogenetic location: 22q13.1.
Variant type: single nucleotide variant.
Coding change: c.3456C>G on transcript NM_021096.4 (MANE Select); coding-DNA position 3456, C replaced by G.
Protein change: p.Leu1152=; no amino-acid change (leucine 1152 retained).
Molecular consequence: synonymous variant.
Genome position (GRCh38, 1-based): chr22:39,662,859, C>G. VCF-style: chr22-39662859-C-G. GRCh37 (hg19) VCF-style: chr22-40058864-C-G.
Other names: c.3351C>G, p.Leu1117= (NM_001003406.2).
Identifiers: ClinVar variation 3341054 (VCV003341054.1).